The following is an entry in ClinVar:

NM_001303052.2(MYT1L):c.2560A>G (p.Arg854Gly)

Gene: MYT1L (myelin transcription factor 1 like; minus strand). Cytogenetic location: 2p25.3.
Variant type: single nucleotide variant.
Coding change: c.2560A>G on transcript NM_001303052.2 (MANE Select); coding-DNA position 2560, A replaced by G.
Protein change: p.Arg854Gly; replaces arginine 854 with glycine.
Molecular consequence: missense variant.
Genome position (GRCh38, 1-based): chr2:1,887,570, T>C on the plus strand (A>G on the coding strand, the complement: MYT1L is on the minus strand). VCF-style: chr2-1887570-T-C. GRCh37 (hg19) VCF-style: chr2-1891342-T-C.
Other names: c.2560A>G, p.Arg854Gly (NM_001329844.2, NM_001329845.1, NM_001329851.3); c.2554A>G, p.Arg852Gly (NM_001329846.3, NM_001329847.2, NM_001329848.1 and 3 more transcripts); short protein forms R852G, R854G.
Identifiers: ClinVar variation 1697074 (VCV001697074.3), dbSNP rs2148838167, ClinGen allele CA345709704.

ClinVar aggregate classification (germline): Uncertain significance (1 of 4 stars; one submission).

gnomAD v4.1: 2 of 1,613,984 alleles (0.00012%); highest among the groups gnomAD compares: African/African-American, 0.0027%; no homozygotes.

Submission:

GeneDx
Classification: Uncertain significance. Last evaluated: 2024-01-08. Review status: criteria provided, single submitter. Criteria: GeneDx Variant Classification Process June 2021. Collection method: clinical testing. Allele origin: germline. Affected: yes.
Comment: Not observed at significant frequency in large population cohorts (gnomAD); In silico analysis supports that this missense variant has a deleterious effect on protein structure/function; Has not been previously published as pathogenic or benign to our knowledge